The following is an entry in ClinVar:

ClinVar aggregate classification (germline): Uncertain significance. Review status: criteria provided, multiple submitters, no conflicts (2 of 4 stars). 3 submissions from 3 submitters: Uncertain significance (3). Last evaluated 2025-08-09.

Conditions:
DICER1-related tumor predisposition. Also called: DICER1-related pleuropulmonary blastoma cancer predisposition syndrome; DICER1 syndrome. Identifiers: Orphanet 284343, MedGen C3839822, MONDO:0100216.
Hereditary cancer-predisposing syndrome. Also called: Hereditary neoplastic syndrome; Neoplastic Syndromes, Hereditary; Tumor predisposition; Hereditary Cancer Syndrome. Identifiers: Orphanet 140162, MedGen C0027672, MeSH D009386, MONDO:0015356.

Allele frequency attached by ClinVar (database versions not stated): ExAC 0.00001; gnomAD exomes 0.00001.
gnomAD v4.1: 42 of 1,614,236 alleles (0.0026%); highest among the groups gnomAD compares: Non-Finnish European, 0.0036%; no homozygotes.

Submissions (3):

Labcorp Genetics (formerly Invitae), Labcorp
Classification: Uncertain significance for DICER1-related tumor predisposition. Last evaluated: 2025-08-09. Review status: criteria provided, single submitter. Criteria: Invitae Variant Classification Sherloc (09022015). Collection method: clinical testing. Allele origin: germline.
Comment: This sequence change replaces lysine, which is basic and polar, with threonine, which is neutral and polar, at codon 1657 of the DICER1 protein (p.Lys1657Thr). This variant is present in population databases (rs778780063, gnomAD 0.002%). This variant has not been reported in the literature in individuals affected with DICER1-related conditions. ClinVar contains an entry for this variant (Variation ID: 483442). Invitae Evidence Modeling of protein sequence and biophysical properties (such as structural, functional, and spatial information, amino acid conservation, physicochemical variation, residue mobility, and thermodynamic stability) indicates that this missense variant is not expected to disrupt DICER1 protein function with a negative predictive value of 95%. In summary, the available evidence is currently insufficient to determine the role of this variant in disease. Therefore, it has been classified as a Variant of Uncertain Significance.

Center for Genomic Medicine, Rigshospitalet, Copenhagen University Hospital
Classification: Uncertain significance. Last evaluated: 2025-03-04. Review status: criteria provided, single submitter. Criteria: ACMG Guidelines, 2015. Collection method: clinical testing. Allele origin: germline.

Ambry Genetics
Classification: Uncertain significance for Hereditary cancer-predisposing syndrome. Last evaluated: 2021-06-30. Review status: criteria provided, single submitter. Criteria: Ambry Variant Classification Scheme 2023. Collection method: clinical testing. Allele origin: germline.
Comment: The p.K1657T variant (also known as c.4970A>C), located in coding exon 22 of the DICER1 gene, results from an A to C substitution at nucleotide position 4970. The lysine at codon 1657 is replaced by threonine, an amino acid with similar properties. This amino acid position is not well conserved in available vertebrate species. In addition, the in silico prediction for this alteration is inconclusive. Since supporting evidence is limited at this time, the clinical significance of this alteration remains unclear.

NM_177438.3(DICER1):c.4970A>C (p.Lys1657Thr)

Gene: DICER1 (dicer 1, ribonuclease III; minus strand). Cytogenetic location: 14q32.13.
Variant type: single nucleotide variant.
Coding change: c.4970A>C on transcript NM_177438.3 (MANE Select); coding-DNA position 4970, A replaced by C.
Protein change: p.Lys1657Thr; replaces lysine 1657 with threonine.
Molecular consequence: missense variant.
Genome position (GRCh38, 1-based): chr14:95,095,950, T>G on the plus strand (A>C on the coding strand, the complement: DICER1 is on the minus strand). VCF-style: chr14-95095950-T-G. GRCh37 (hg19) VCF-style: chr14-95562287-T-G.
Other names: c.4970A>C, p.Lys1657Thr (NM_001195573.1, NM_001271282.3, NM_001291628.2 and 1 more transcripts); short protein forms K1657T.
Identifiers: ClinVar variation 483442 (VCV000483442.22), dbSNP rs778780063, ClinGen allele CA7330763.